The following is an entry in ClinVar:

ClinVar aggregate classification (germline): Uncertain significance (1 of 4 stars; one submission).

Submission:

GeneDx
Classification: Uncertain significance. Last evaluated: 2023-05-15. Review status: criteria provided, single submitter. Criteria: GeneDx Variant Classification Process June 2021. Collection method: clinical testing. Allele origin: germline.
Comment: Not observed at significant frequency in large population cohorts (gnomAD); In silico analysis supports that this missense variant has a deleterious effect on protein structure/function; Has not been previously published as pathogenic or benign to our knowledge; This variant is associated with the following publications: (PMID: 26100331, 25609763, 25512093)

NM_001376.5(DYNC1H1):c.4175G>A (p.Gly1392Asp)

Gene: DYNC1H1 (dynein cytoplasmic 1 heavy chain 1; plus strand). Cytogenetic location: 14q32.31.
Variant type: single nucleotide variant.
Coding change: c.4175G>A on transcript NM_001376.5 (MANE Select); coding-DNA position 4175, G replaced by A.
Protein change: p.Gly1392Asp; replaces glycine 1392 with aspartic acid.
Molecular consequence: missense variant.
Genome position (GRCh38, 1-based): chr14:102,001,054, G>A. VCF-style: chr14-102001054-G-A. GRCh37 (hg19) VCF-style: chr14-102467391-G-A.
Other names: short protein forms G1392D.
Identifiers: ClinVar variation 2499927 (VCV002499927.2), dbSNP rs1161153708, ClinGen allele CA391039882.